The following is an entry in ClinVar:

ClinVar aggregate classification (germline): Uncertain significance (1 of 4 stars; one submission).

Submission:

GeneDx
Classification: Uncertain significance. Last evaluated: 2026-02-09. Review status: criteria provided, single submitter. Criteria: GeneDx Variant Classification Process June 2021. Collection method: clinical testing. Allele origin: germline.
Comment: Not observed at significant frequency in large population cohorts (gnomAD); In silico analysis suggests that this missense variant does not alter protein structure/function; Has not been previously published as pathogenic or benign to our knowledge

NM_001318510.2(ACSL4):c.499C>A (p.Leu167Met)

Gene: ACSL4 (acyl-CoA synthetase long chain family member 4; minus strand). Cytogenetic location: Xq23.
Variant type: single nucleotide variant.
Coding change: c.499C>A on transcript NM_001318510.2 (MANE Select); coding-DNA position 499, C replaced by A.
Protein change: p.Leu167Met; replaces leucine 167 with methionine.
Molecular consequence: missense variant.
Genome position (GRCh38, 1-based): chrX:109,681,283, G>T on the plus strand (C>A on the coding strand, the complement: ACSL4 is on the minus strand). VCF-style: chrX-109681283-G-T. GRCh37 (hg19) VCF-style: chrX-108924512-G-T.
Other names: c.622C>A, p.Leu208Met (NM_001318509.2, NM_001437245.1, NM_001437247.1 and 2 more transcripts); c.499C>A, p.Leu167Met (NM_001437250.1, NM_001437251.1, NM_001437252.1 and 2 more transcripts); short protein forms L167M, L208M.
Identifiers: ClinVar variation 4976447 (VCV004976447.1).